The following is an entry in ClinVar:

NM_182961.4(SYNE1):c.21187G>C (p.Asp7063His)

Gene: SYNE1 (spectrin repeat containing nuclear envelope protein 1; minus strand). Cytogenetic location: 6q25.2.
Variant type: single nucleotide variant.
Coding change: c.21187G>C on transcript NM_182961.4 (MANE Select); coding-DNA position 21187, G replaced by C.
Protein change: p.Asp7063His; replaces aspartic acid 7063 with histidine.
Molecular consequence: missense variant.
Genome position (GRCh38, 1-based): chr6:152,230,555, C>G on the plus strand (G>C on the coding strand, the complement: SYNE1 is on the minus strand). VCF-style: chr6-152230555-C-G. GRCh37 (hg19) VCF-style: chr6-152551690-C-G.
Other names: c.20974G>C, p.Asp6992His (NM_033071.5); short protein forms D6992H, D7063H.
Identifiers: ClinVar variation 1367173 (VCV001367173.8), dbSNP rs1267961945, ClinGen allele CA366111585.

ClinVar aggregate classification (germline): Uncertain significance (1 of 4 stars; one submission).

Conditions:
Emery-Dreifuss muscular dystrophy 4, autosomal dominant (EDMD4). Also called: EMERY-DREIFUSS MUSCULAR DYSTROPHY 4 WITH VARIABLE FEATURES. Identifiers: Orphanet 261, MedGen C2751807, MONDO:0013071, OMIM 612998.
Autosomal recessive ataxia, Beauce type. Also called: SYNE1-Related Autosomal Recessive Cerebellar Ataxia; Spinocerebellar ataxia, autosomal recessive 8; ATAXIA, RECESSIVE, OF BEAUCE; SYNE1 Deficiency. Identifiers: Orphanet 88644, MedGen C1853116, MONDO:0012549, OMIM 610743.

Allele frequency attached by ClinVar (database versions not stated): TOPMed below 0.00001.

Submission:

Labcorp Genetics (formerly Invitae), Labcorp
Classification: Uncertain significance for Emery-Dreifuss muscular dystrophy 4, autosomal dominant; Autosomal recessive ataxia, Beauce type. Last evaluated: 2021-07-13. Review status: criteria provided, single submitter. Criteria: Invitae Variant Classification Sherloc (09022015). Collection method: clinical testing. Allele origin: germline.
Comment: Algorithms developed to predict the effect of missense changes on protein structure and function (SIFT, PolyPhen-2, Align-GVGD) all suggest that this variant is likely to be disruptive. This sequence change replaces aspartic acid with histidine at codon 6992 of the SYNE1 protein (p.Asp6992His). The aspartic acid residue is highly conserved and there is a moderate physicochemical difference between aspartic acid and histidine. This variant is not present in population databases (ExAC no frequency). This variant has not been reported in the literature in individuals affected with SYNE1-related conditions. In summary, the available evidence is currently insufficient to determine the role of this variant in disease. Therefore, it has been classified as a Variant of Uncertain Significance.